The following is an entry in ClinVar:

ClinVar aggregate classification (germline): Conflicting classifications of pathogenicity. Review status: criteria provided, conflicting classifications (1 of 4 stars). 5 submissions from 5 submitters: Uncertain significance (3); Likely benign (1). 1 of the submissions does not count toward it. Last evaluated 2025-02-25.

Conditions:
COL4A2-related disorder. Also called: COL4A2-related disorders; COL4A2-related condition.

Allele frequency attached by ClinVar (database versions not stated): ESP Exome Variant Server 0.00008; gnomAD 0.00011; 1000 Genomes Project 30x 0.00016.
gnomAD v4.1: 213 of 1,602,706 alleles (0.013%); highest among the groups gnomAD compares: Non-Finnish European, 0.017%; no homozygotes.

Submissions (5):

Labcorp Genetics (formerly Invitae), Labcorp
Classification: Uncertain significance. Last evaluated: 2025-02-25. Review status: criteria provided, single submitter. Criteria: Invitae Variant Classification Sherloc (09022015). Collection method: clinical testing. Allele origin: germline.
Comment: This sequence change falls in intron 25 of the COL4A2 gene. It does not directly change the encoded amino acid sequence of the COL4A2 protein. It affects a nucleotide within the consensus splice site. This variant is present in population databases (rs372577230, gnomAD 0.04%), and has an allele count higher than expected for a pathogenic variant. This variant has not been reported in the literature in individuals affected with COL4A2-related conditions. ClinVar contains an entry for this variant (Variation ID: 1523932). Variants that disrupt the consensus splice site are a relatively common cause of aberrant splicing (PMID: 17576681, 9536098). Algorithms developed to predict the effect of sequence changes on RNA splicing suggest that this variant is not likely to affect RNA splicing. In summary, the available evidence is currently insufficient to determine the role of this variant in disease. Therefore, it has been classified as a Variant of Uncertain Significance.

Women's Health and Genetics/Laboratory Corporation of America, LabCorp
Classification: Uncertain significance. Last evaluated: 2024-01-31. Review status: criteria provided, single submitter. Criteria: LabCorp Variant Classification Summary - May 2015. Collection method: clinical testing. Allele origin: germline.
Comment: Variant summary: COL4A2 c.1978+4T>C alters a non-conserved nucleotide located close to a canonical splice site and therefore could affect mRNA splicing, leading to a significantly altered protein sequence. Consensus agreement among computation tools predict no significant impact on normal splicing. However, these predictions have yet to be confirmed by functional studies. The variant allele was found at a frequency of 1.3e-04 in 1602706 control chromosomes. To our knowledge, no occurrence of c.1978+4T>C in individuals affected with Porencephaly 2 and no experimental evidence demonstrating its impact on protein function have been reported. ClinVar contains an entry for this variant (Variation ID: 1523932). Based on the evidence outlined above, the variant was classified as uncertain significance.

Blueprint Genetics
Classification: Likely benign. Last evaluated: 2024-01-11. Review status: criteria provided, single submitter. Criteria: ACMG Guidelines, 2015. Collection method: clinical testing. Allele origin: germline.

Centre of Medical Genetics, University Hospital Muenster
Classification: Uncertain significance. Last evaluated: 2021-05-05. Review status: criteria provided, single submitter. Criteria: ACMG Guidelines, 2015. Collection method: clinical testing. Allele origin: unknown. Affected: yes. Observed: 1 variant allele, 1 heterozygote.
Comment: ACMG categories: PM2

PreventionGenetics, part of Exact Sciences
Classification: Likely benign for COL4A2-related condition. Last evaluated: 2024-04-02. Review status: no assertion criteria provided. Collection method: clinical testing. Allele origin: germline. Not counted in ClinVar's aggregate classification.
Comment: This variant is classified as likely benign based on ACMG/AMP sequence variant interpretation guidelines (Richards et al. 2015 PMID: 25741868, with internal and published modifications).

Literature cited by the submitters: PubMed 17576681 (cited by Labcorp Genetics (formerly Invitae), Labcorp); PubMed 9536098 (cited by Labcorp Genetics (formerly Invitae), Labcorp).

NM_001846.4(COL4A2):c.1978+4T>C

Gene: COL4A2 (collagen type IV alpha 2 chain; plus strand). Cytogenetic location: 13q34.
Variant type: single nucleotide variant.
Coding change: c.1978+4T>C on transcript NM_001846.4 (MANE Select); 4 bases into the intron after coding-DNA position 1978, T replaced by C.
Molecular consequence: intron variant.
Genome position (GRCh38, 1-based): chr13:110,465,610, T>C. VCF-style: chr13-110465610-T-C. GRCh37 (hg19) VCF-style: chr13-111117957-T-C.
Other names: c.1978+4T>C (NM_001846.3).
Identifiers: ClinVar variation 1523932 (VCV001523932.12), dbSNP rs372577230, ClinGen allele CA7049762.